The following is an entry in ClinVar:

NM_001080421.3(UNC13A):c.4203C>G (p.Ile1401Met)

Gene: UNC13A (unc-13 homolog A; minus strand). Cytogenetic location: 19p13.11.
Variant type: single nucleotide variant.
Coding change: c.4203C>G on transcript NM_001080421.3 (MANE Select); coding-DNA position 4203, C replaced by G.
Protein change: p.Ile1401Met; replaces isoleucine 1401 with methionine.
Molecular consequence: missense variant. On other transcripts: intron variant (3).
Genome position (GRCh38, 1-based): chr19:17,623,542, G>C on the plus strand (C>G on the coding strand, the complement: UNC13A is on the minus strand). VCF-style: chr19-17623542-G-C. GRCh37 (hg19) VCF-style: chr19-17734351-G-C.
Other names: c.4188+1287C>G (NM_001387022.1); c.4191+1287C>G (NM_001387023.1, NM_001387021.1); short protein forms I1401M.
Identifiers: ClinVar variation 5008851 (VCV005008851.1).
Genomic context (GRCh38, chr19:17,623,542, plus strand): 5'-GGGCCGAGTCCAGACACAGAGAGGACGGACAGACAGACGGACAGACGGGACTCTACTTAC[G>C]ATCATCTGTCATCCGTGATGGGGGCGGGGCGGTGGGGGAGGGGGGAATAAGGTACCATGA-3'
Protein context (NP_001073890.2, residues 1391-1411): VLPPLTDQTM[Ile1401Met]GNLLRKHGKG

ClinVar aggregate classification (germline): Uncertain significance (1 of 4 stars; one submission).

Submission:

GeneDx
Classification: Uncertain significance. Last evaluated: 2026-03-12. Review status: criteria provided, single submitter. Criteria: GeneDx Variant Classification Process June 2021. Collection method: clinical testing. Allele origin: germline.
Comment: Not observed at significant frequency in large population cohorts (gnomAD); In silico analysis suggests that this missense variant does not alter protein structure/function; Has not been previously published as pathogenic or benign to our knowledge